The following is an entry in ClinVar:

NM_005188.4(CBL):c.1198A>G (p.Met400Val)

Gene: CBL (Cbl proto-oncogene; plus strand). Cytogenetic location: 11q23.3.
Variant type: single nucleotide variant.
Coding change: c.1198A>G on transcript NM_005188.4 (MANE Select); coding-DNA position 1198, A replaced by G.
Protein change: p.Met400Val; replaces methionine 400 with valine.
Molecular consequence: missense variant.
Genome position (GRCh38, 1-based): chr11:119,278,268, A>G. VCF-style: chr11-119278268-A-G. GRCh37 (hg19) VCF-style: chr11-119148978-A-G.
Other names: short protein forms M400V.
Identifiers: ClinVar variation 2083978 (VCV002083978.4), dbSNP rs878856172, ClinGen allele CA382912767.

ClinVar aggregate classification (germline): Uncertain significance (1 of 4 stars; one submission).

Conditions:
RASopathy. Also called: rasopathies; Noonan spectrum disorder. Identifiers: Orphanet 536391, MedGen C5555857, MONDO:0021060.

gnomAD v4.1: 6 of 1,613,590 alleles (0.00037%); highest among the groups gnomAD compares: Non-Finnish European, 0.00051%; no homozygotes.

Submission:

Labcorp Genetics (formerly Invitae), Labcorp
Classification: Uncertain significance for RASopathy. Last evaluated: 2022-02-22. Review status: criteria provided, single submitter. Criteria: Invitae Variant Classification Sherloc (09022015). Collection method: clinical testing. Allele origin: germline.
Comment: In summary, the available evidence is currently insufficient to determine the role of this variant in disease. Therefore, it has been classified as a Variant of Uncertain Significance. Advanced modeling of protein sequence and biophysical properties (such as structural, functional, and spatial information, amino acid conservation, physicochemical variation, residue mobility, and thermodynamic stability) performed at Invitae indicates that this missense variant is not expected to disrupt CBL protein function. This variant has not been reported in the literature in individuals affected with CBL-related conditions. This variant is not present in population databases (gnomAD no frequency). This sequence change replaces methionine, which is neutral and non-polar, with valine, which is neutral and non-polar, at codon 400 of the CBL protein (p.Met400Val).